The following is an entry in ClinVar:

ClinVar aggregate classification (germline): Benign/Likely benign. Review status: criteria provided, multiple submitters, no conflicts (2 of 4 stars). 2 submissions from 2 submitters: Benign (1); Likely benign (1). Last evaluated 2020-10-19.

Allele frequency attached by ClinVar (database versions not stated): ExAC 0.00014; gnomAD 0.00018 and 0.00019; gnomAD exomes 0.00012; TOPMed 0.00020; ESP Exome Variant Server 0.00023.
gnomAD v4.1: 459 of 1,610,236 alleles (0.029%); highest among the groups gnomAD compares: Non-Finnish European, 0.036%; no homozygotes.

Submissions (2):

Women's Health and Genetics/Laboratory Corporation of America, LabCorp
Classification: Benign. Last evaluated: 2020-10-19. Review status: criteria provided, single submitter. Criteria: LabCorp Variant Classification Summary - May 2015. Collection method: clinical testing. Allele origin: germline.
Comment: Variant summary: TMPO c.-11A>C is located in the untranslated mRNA region upstream of the initiation codon. 4/4 computational tools predict no significant impact on normal splicing. However, these predictions have yet to be confirmed by functional studies. The variant allele was found at a frequency of 0.00012 in 242416 control chromosomes, predominantly at a frequency of 0.00025 within the Non-Finnish European subpopulation in the gnomAD database. The observed variant frequency within Non-Finnish European control individuals in the gnomAD database is approximately 16 fold of the estimated maximal expected allele frequency for a pathogenic variant in TMPO causing Dilated Cardiomyopathy phenotype (1.6e-05), strongly suggesting that the variant is a benign polymorphism found primarily in populations of Non-Finnish European origin. To our knowledge, no occurrence of c.-11A>C in individuals affected with Dilated Cardiomyopathy and no experimental evidence demonstrating its impact on protein function have been reported. Co-occurrence with a pathogenic variant has been reported (MYH7 c.1063G>A, p.A355T), providing supporting evidence for a benign role. One clinical diagnostic laboratory has submitted clinical-significance assessments for this variant to ClinVar after 2014 without evidence for independent evaluation classified the variant as likely benign. Based on the evidence outlined above, the variant was classified as benign.

GeneDx
Classification: Likely benign. Last evaluated: 2018-04-23. Review status: criteria provided, single submitter. Criteria: GeneDx Variant Classification Process June 2021. Collection method: clinical testing. Allele origin: germline. Affected: yes.

NM_001032283.3(TMPO):c.-11A>C

Genes: TMPO (thymopoietin; plus strand), TMPO-AS1 (TMPO antisense RNA 1; minus strand). Cytogenetic location: 12q23.1.
Variant type: single nucleotide variant.
Coding change: c.-11A>C on transcript NM_001032283.3 (MANE Select); 11 bases upstream of the start codon, A replaced by C.
Molecular consequence: 5 prime UTR variant. On other transcripts: non-coding transcript variant (1).
Genome position (GRCh38, 1-based): chr12:98,515,857, A>C. VCF-style: chr12-98515857-A-C. GRCh37 (hg19) VCF-style: chr12-98909635-A-C.
Other names: c.-11A>C (NM_001032284.3, NM_001307975.2, NM_003276.2).
Identifiers: ClinVar variation 516734 (VCV000516734.4), dbSNP rs377404642, ClinGen allele CA6732090.
Genomic context (GRCh38, chr12:98,515,857, plus strand): 5'-CCAGGAGCAAGCGCGCCGGCGTGAGCGGCGGCGGCAAAGGCTGTGGGGAGGGGGCTTCGC[A>C]GATCCCCGAGATGCCGGAGTTCCTGGAAGACCCCTCGGTCCTGACAAAAGACAAGTTGAA-3'